The following is an entry in ClinVar:

ClinVar aggregate classification (germline): Conflicting classifications of pathogenicity. Review status: criteria provided, conflicting classifications (1 of 4 stars). 8 submissions from 8 submitters: Uncertain significance (6); Benign (1). 1 of the submissions does not count toward it. Last evaluated 2026-01-14.

Conditions:
TRDN-related disorder. Also called: TRDN-related condition.
Catecholaminergic polymorphic ventricular tachycardia 1. Also called: RYR2-Related Catecholaminergic Polymorphic Ventricular Tachycardia; VENTRICULAR TACHYCARDIA, CATECHOLAMINERGIC POLYMORPHIC, 1, WITH OR WITHOUT ATRIAL DYSFUNCTION AND/OR DILATED CARDIOMYOPATHY; VENTRICULAR TACHYCARDIA, STRESS-INDUCED POLYMORPHIC 1. Identifiers: Orphanet 3286, MedGen C1631597, MONDO:0011484, OMIM 604772.
Catecholaminergic polymorphic ventricular tachycardia 5 (CARDAR). Also called: Ventricular tachycardia, catecholaminergic polymorphic, 5, with or without muscle weakness; CARDIAC ARRHYTHMIA SYNDROME, WITH OR WITHOUT SKELETAL MUSCLE WEAKNESS. Identifiers: Orphanet 3286, MedGen C3809536, MONDO:0014191, OMIM 615441.
Cardiovascular phenotype. Identifiers: MedGen CN230736.

Allele frequency attached by ClinVar (database versions not stated): gnomAD below 0.00001 and 0.00011; TOPMed below 0.00001; gnomAD exomes 0.00021 and 0.00061; 1000 Genomes Project 0.00120; 1000 Genomes Project 30x 0.00172; ExAC 0.00204.
gnomAD v4.1: 288 of 1,462,276 alleles (0.02%); highest among the groups gnomAD compares: South Asian, 0.35%; 8 homozygotes.

Submissions (8):

Labcorp Genetics (formerly Invitae), Labcorp
Classification: Benign for Catecholaminergic polymorphic ventricular tachycardia 1. Last evaluated: 2026-01-14. Review status: criteria provided, single submitter. Criteria: Invitae Variant Classification Sherloc (09022015). Collection method: clinical testing. Allele origin: germline.

ARUP Laboratories, Molecular Genetics and Genomics, ARUP Laboratories
Classification: Uncertain significance for Catecholaminergic polymorphic ventricular tachycardia 5. Last evaluated: 2025-06-02. Review status: criteria provided, single submitter. Criteria: ARUP Molecular Germline Variant Investigation Process 2024. Collection method: clinical testing. Allele origin: germline.
Comment: The TRDN c.1187-2A>G variant (rs578024729, ClinVar Variation ID: 561136) is reported in the literature in an individual with arrythmia (van Lint 2019). This variant is found in the South Asian population with an allele frequency of 0.44% (92/20,920 alleles, including 2 homozygotes) in the Genome Aggregation Database (v2.1.1). This is an intronic variant and computational analyses (Alamut Visual Plus v.1.12) predict that this variant may impact splicing by weakening the nearby canonical acceptor splice site but create a novel cryptic acceptor splice site downstream. Due to conflicting information, and the lack of clinical and functional data, the clinical significance of this variant is uncertain at this time. References: van Lint FHM et al. Large next-generation sequencing gene panels in genetic heart disease: yield of pathogenic variants and variants of unknown significance. Neth Heart J. 2019 Jun;27(6):304-309. PMID: 30847666.

Ambry Genetics
Classification: Uncertain significance for Cardiovascular phenotype. Last evaluated: 2024-09-26. Review status: criteria provided, single submitter. Criteria: Ambry Variant Classification Scheme 2023. Collection method: clinical testing. Allele origin: germline.
Comment: The c.1187-2A>G intronic variant results from an A to G substitution two nucleotides upstream from coding exon 17 in the TRDN gene. This variant was detected in an individual who underwent genetic testing for arrhythmia; however, details were limited (van Lint FHM et al. Neth Heart J, 2019 Jun;27:304-309). This nucleotide position is highly conserved in available vertebrate species. In silico splice site analysis predicts that this alteration will weaken the native splice acceptor site and may result in the creation or strengthening of a novel splice acceptor site. Based on data from gnomAD, the frequency for this variant is above the maximum credible frequency for a disease-causing variant in this gene based on internally established thresholds (Karczewski et al. Nature. 2020 May;581(7809):434-443; Whiffin et al. Genet Med. 2017 10;19:1151-1158). Alterations that disrupt the canonical splice site are expected to cause aberrant splicing, resulting in an abnormal protein or a transcript that is subject to nonsense-mediated mRNA decay. However, this alteration does not impact the predominant cardiac isoform of TRDN (NM_001256021.1; Kobayashi YM et al. J. Biol. Chem., 1999 Oct;274:28660-8). Based on the available evidence, the clinical significance of this variant remains unclear.

Victorian Clinical Genetics Services, Murdoch Childrens Research Institute
Classification: Uncertain significance for Catecholaminergic polymorphic ventricular tachycardia 5. Last evaluated: 2023-07-17. Review status: criteria provided, single submitter. Criteria: ACMG Guidelines, 2015. Collection method: clinical testing. Allele origin: germline. Inheritance: Autosomal recessive inheritance. Affected: yes.
Comment: Based on the classification scheme VCGS_Germline_v1.3.4, this variant is classified as VUS-3B. Following criteria are met: 0102 - Loss of function is a known mechanism of disease in this gene and is associated with cardiac arrhythmia syndrome, with or without skeletal muscle weakness (MIM#615441). (I) 0106 - This gene is associated with autosomal recessive disease. (I) 0211 - Canonical splice site variant without proven consequence on splicing (no functional evidence available). (SP) 0219 - This variant is non-coding in an alternative transcript. It is not present in NM_001256021.2, which encodes the predominant cardiac isoform, Trisk 32. (Hancox, J.C. et al. (2017)). In literature published up to August 2020, variants associated with arrhythmogenic syndromes are located in the first 208 amino acids of the protein (PMID: 33692971). (I) 0251 - This variant is heterozygous. (I) 0304 - Variant is present in gnomAD <0.01 for a recessive condition (v2: 88 heterozygotes, 2 homozygotes). (SP) 0505 - Abnormal splicing is predicted by in silico tools and affected nucleotide is highly conserved. (SP) 0705 - No comparable splice site variants have previous evidence for pathogenicity. (I) 0808 - Previous reports of pathogenicity for this variant are conflicting. It has been reported as a VUS by a clinical testing laboratory and in several publications (ClinVar, PMIDs: 30847666, 35932045). It has also been reported as a predicted loss of function variant in a Pakistani myocardial infarction risk study, however no specific phenotypic information was provided for the variant carrier(s) (PMID: 28406212). Additionally, it has been reported as pathogenic by a clinical testing laboratory in two homozygous individuals in their childhood and without known arrhythmias (ClinVar). (I) 0905 - No published segregation evidence has been identified for this variant. (I) 1007 - No published functional evidence has been identified for this variant. (I) 1208 - Inheritance information for this variant is not currently available in this individual. (I) Legend: (SP) - Supporting pathogenic, (I) - Information, (SB) - Supporting benign

GeneDx
Classification: Uncertain significance. Last evaluated: 2023-07-10. Review status: criteria provided, single submitter. Criteria: GeneDx Variant Classification Process June 2021. Collection method: clinical testing. Allele origin: germline. Affected: yes.
Comment: Canonical splice site variant in a gene or region of a gene for which loss of function is not a well-established mechanism of disease; Observed in a patient with arrhythmia (PMID: 30847666); This variant is associated with the following publications: (PMID: 35932045, 30847666)

Department of Pathology and Laboratory Medicine, Sinai Health System
Classification: Uncertain significance for Catecholaminergic polymorphic ventricular tachycardia 5; Catecholaminergic polymorphic ventricular tachycardia 1. Last evaluated: 2023-02-10. Review status: criteria provided, single submitter. Criteria: ACMG Guidelines, 2015. Collection method: research. Allele origin: germline.

Baylor Genetics
Classification: Uncertain significance for Catecholaminergic polymorphic ventricular tachycardia 5. Review status: criteria provided, single submitter. Criteria: ACMG Guidelines, 2015. Collection method: clinical testing. Allele origin: unknown.

PreventionGenetics, part of Exact Sciences
Classification: Uncertain significance for TRDN-related condition. Last evaluated: 2023-11-06. Review status: no assertion criteria provided. Collection method: clinical testing. Allele origin: germline. Not counted in ClinVar's aggregate classification.
Comment: The TRDN c.1187-2A>G variant is predicted to disrupt the AG splice acceptor site and interfere with normal splicing. This variant was reported in an individual via arrhythmia panel testing, however detailed phenotypic information was not provided (Supplementary File 2, van Lint et al 2019. PubMed ID: 30847666). This variant is reported in 0.44% of alleles in individuals of South Asian descent in gnomAD. Although we suspect that this variant may be pathogenic, at this time, the clinical significance of this variant is uncertain due to the absence of conclusive functional and genetic evidence.

Literature cited by the submitters: PubMed 30847666 (cited by Ambry Genetics and Victorian Clinical Genetics Services, Murdoch Childrens Research Institute); PubMed 28406212 (cited by Victorian Clinical Genetics Services, Murdoch Childrens Research Institute); PubMed 33692971 (cited by Victorian Clinical Genetics Services, Murdoch Childrens Research Institute); PubMed 35932045 (cited by Victorian Clinical Genetics Services, Murdoch Childrens Research Institute); PubMed 25326635 (cited by Baylor Genetics).

NM_006073.4(TRDN):c.1187-2A>G

Gene: TRDN (triadin; minus strand). Cytogenetic location: 6q22.31.
Variant type: single nucleotide variant.
Coding change: c.1187-2A>G on transcript NM_006073.4 (MANE Select); the canonical splice acceptor site of the intron before coding-DNA position 1187, A replaced by G.
Molecular consequence: splice acceptor variant.
Genome position (GRCh38, 1-based): chr6:123,377,900, T>C on the plus strand (A>G on the coding strand, the complement: TRDN is on the minus strand). VCF-style: chr6-123377900-T-C. GRCh37 (hg19) VCF-style: chr6-123699045-T-C.
Other names: c.1130-2A>G (NM_001407315.1); c.1190-2A>G (NM_001251987.2).
Identifiers: ClinVar variation 561136 (VCV000561136.22), dbSNP rs578024729, ClinGen allele CA3984080.